The following is an entry in ClinVar:

ClinVar aggregate classification (germline): not provided (0 of 4 stars; one submission).

Allele frequency attached by ClinVar (database versions not stated): gnomAD 0.00001; TOPMed 0.00001; gnomAD exomes 0.00002; ExAC 0.00003.
gnomAD v4.1: 31 of 1,573,232 alleles (0.002%); highest among the groups gnomAD compares: East Asian, 0.0047%; no homozygotes.

Submission:

ITMI
No classification provided. Condition: AllHighlyPenetrant. Last evaluated: 2013-09-19. Review status: no classification provided. Collection method: reference population. Allele origin: germline.
Comment: Please see associated publication for description of ethnicities

Literature cited by the submitters: PubMed 24728327.

NM_000215.4(JAK3):c.1739C>T (p.Ser580Leu)

Gene: JAK3 (Janus kinase 3; minus strand). Cytogenetic location: 19p13.11.
Variant type: single nucleotide variant.
Coding change: c.1739C>T on transcript NM_000215.4 (MANE Select); coding-DNA position 1739, C replaced by T.
Protein change: p.Ser580Leu; replaces serine 580 with leucine.
Molecular consequence: missense variant.
Genome position (GRCh38, 1-based): chr19:17,837,176, G>A on the plus strand (C>T on the coding strand, the complement: JAK3 is on the minus strand). VCF-style: chr19-17837176-G-A. GRCh37 (hg19) VCF-style: chr19-17947985-G-A.
Other names: short protein forms S580L.
Identifiers: ClinVar variation 134568 (VCV000134568.1), dbSNP rs587778414, ClinGen allele CA160210.